The following is an entry in ClinVar:

ClinVar aggregate classification (germline): Benign/Likely benign. Review status: criteria provided, multiple submitters, no conflicts (2 of 4 stars). 2 submissions from 2 submitters: Benign (1); Likely benign (1). Last evaluated 2026-07-01.

Allele frequency attached by ClinVar (database versions not stated): 1000 Genomes Project 0.00260; 1000 Genomes Project 30x 0.00312; gnomAD exomes 0.00732; gnomAD 0.00524; TOPMed 0.00536; ExAC 0.00564; ESP Exome Variant Server 0.00616.
gnomAD v4.1: 11,513 of 1,613,514 alleles (0.71%); highest among the groups gnomAD compares: Non-Finnish European, 0.85%; 54 homozygotes.

Submissions (2):

CeGaT Center for Human Genetics Tuebingen
Classification: Likely benign. Last evaluated: 2026-07-01. Review status: criteria provided, single submitter. Criteria: CeGaT Center For Human Genetics Tuebingen Variant Classification Criteria Version 2. Collection method: clinical testing. Allele origin: germline. Affected: yes. Observed: 3 variant alleles.
Comment: PAPPA2: BP4, BP7, BS2

Women's Health and Genetics/Laboratory Corporation of America, LabCorp
Classification: Benign. Last evaluated: 2026-05-13. Review status: criteria provided, single submitter. Criteria: LabCorp Variant Classification Summary - May 2015. Collection method: clinical testing. Allele origin: germline.

NM_020318.3(PAPPA2):c.3822G>A (p.Glu1274=)

Gene: PAPPA2 (pappalysin 2; plus strand). Cytogenetic location: 1q25.2.
Variant type: single nucleotide variant.
Coding change: c.3822G>A on transcript NM_020318.3 (MANE Select); coding-DNA position 3822, G replaced by A.
Protein change: p.Glu1274=; no amino-acid change (glutamic acid 1274 retained).
Molecular consequence: synonymous variant.
Genome position (GRCh38, 1-based): chr1:176,739,649, G>A. VCF-style: chr1-176739649-G-A. GRCh37 (hg19) VCF-style: chr1-176708785-G-A.
Identifiers: ClinVar variation 2639582 (VCV002639582.25), dbSNP rs41266138, ClinGen allele CA1257949.
Genomic context (GRCh38, chr1:176,739,649, plus strand): 5'-GAAATAATGACTTATACATAAATGTGCTTATGCTTAGGTGTGTTTCAATAGACCAGGAGA[G>A]GCCAGAGCAATTTTTATTTTTTTGACAACTGATGGCCTAGTTCCCGGAGAGCATCAGCAG-3'
Protein context (NP_064714.2, residues 1264-1284): WLKVCFNRPG[Glu1274=]ARAIFIFLTT